The following is an entry in ClinVar:

ClinVar aggregate classification (germline): Likely benign. Review status: criteria provided, multiple submitters, no conflicts (2 of 4 stars). 2 submissions from 2 submitters: Likely benign (2). Last evaluated 2023-11-19.

Conditions:
FGFR2-related craniosynostosis. Identifiers: MedGen CN231480.

Allele frequency attached by ClinVar (database versions not stated): ExAC 0.00001; gnomAD exomes 0.00001; gnomAD 0.00004; TOPMed 0.00004; 1000 Genomes Project 30x 0.00016; 1000 Genomes Project 0.00020.
gnomAD v4.1: 9 of 1,614,136 alleles (0.00056%); highest among the groups gnomAD compares: African/African-American, 0.0067%; no homozygotes.

Submissions (2):

Labcorp Genetics (formerly Invitae), Labcorp
Classification: Likely benign for FGFR2-related craniosynostosis. Last evaluated: 2023-11-19. Review status: criteria provided, single submitter. Criteria: Invitae Variant Classification Sherloc (09022015). Collection method: clinical testing. Allele origin: germline.

CeGaT Center for Human Genetics Tuebingen
Classification: Likely benign. Last evaluated: 2022-11-01. Review status: criteria provided, single submitter. Criteria: CeGaT Center For Human Genetics Tuebingen Variant Classification Criteria Version 2. Collection method: clinical testing. Allele origin: germline. Affected: yes. Observed: 1 variant allele.
Comment: FGFR2: BP4, BP7

NM_000141.5(FGFR2):c.729G>A (p.Thr243=)

Gene: FGFR2 (fibroblast growth factor receptor 2; minus strand). Cytogenetic location: 10q26.13.
Variant type: single nucleotide variant.
Coding change: c.729G>A on transcript NM_000141.5 (MANE Select); coding-DNA position 729, G replaced by A.
Protein change: p.Thr243=; no amino-acid change (threonine 243 retained).
Molecular consequence: synonymous variant. On other transcripts: non-coding transcript variant (1).
Genome position (GRCh38, 1-based): chr10:121,538,611, C>T on the plus strand (G>A on the coding strand, the complement: FGFR2 is on the minus strand). VCF-style: chr10-121538611-C-T. GRCh37 (hg19) VCF-style: chr10-123298125-C-T.
Other names: c.729G>A, p.Thr243= (NM_001144913.1, NM_001144914.1, NM_001144917.2 and 2 more transcripts); c.462G>A, p.Thr154= (NM_001144915.2, NM_001144919.2, NM_023029.3); c.384G>A, p.Thr128= (NM_001144916.2, NM_001144918.2).
Identifiers: ClinVar variation 1574060 (VCV001574060.32), dbSNP rs199890227, ClinGen allele CA5721060.